The following continues an entry in ClinVar:

NM_000297.4(PKD2):c.1319+1G>A

Gene: PKD2. ClinVar aggregate classification (germline): Pathogenic/Likely pathogenic. Pathogenic (13); Likely pathogenic (3).

Submissions 13 to 17 of 17:

Labcorp Genetics (formerly Invitae), Labcorp
Classification: Pathogenic for Autosomal dominant polycystic kidney disease. Last evaluated: 2019-11-20. Review status: criteria provided, single submitter. Criteria: Invitae Variant Classification Sherloc (09022015). Collection method: clinical testing. Allele origin: germline.
Comment: This variant is not present in population databases (ExAC no frequency). For these reasons, this variant has been classified as Pathogenic. Donor and acceptor splice site variants typically lead to a loss of protein function (PMID: 16199547), and loss-of-function variants in PKD2 are known to be pathogenic (PMID: 17582161, 22863349). Disruption of this splice site has been reported in families affected with polycystic kidney disease (PMID: 11007674, 12707387, 22383692). It is also known as IVS5+1G>A in the literature. This sequence change affects a donor splice site in intron 5 of the PKD2 gene. It is expected to disrupt RNA splicing and likely results in an absent or disrupted protein product.

ARUP Laboratories, Molecular Genetics and Genomics, ARUP Laboratories
Classification: Pathogenic for Polycystic kidney disease 2. Last evaluated: 2019-03-27. Review status: criteria provided, single submitter. Criteria: ARUP Molecular Germline Variant Investigation Process. Collection method: clinical testing. Allele origin: germline.
Comment: The PKD2 c.1319+1G>A variant (rs1131692280), also known as IVS5+1G>A, is reported in the literature in multiple individuals and families affected with autosomal dominant polycystic kidney disease (ADPKD) (Magistroni 2003, Rossetti 2012, Tan 2009, Torra 2000). This variant is found on only three chromosomes (3/282036 alleles) in the Genome Aggregation Database, indicating it is not a common polymorphism, and it is reported as pathogenic by multiple laboratories in ClinVar (Variation ID: 430967). This variant abolishes the canonical splice donor site of intron 5, which is likely to disrupt gene function. Based on available information, this variant is considered to be pathogenic. References: Magistroni R et al. Genotype-renal function correlation in type 2 autosomal dominant polycystic kidney disease. J Am Soc Nephrol. 2003 May;14(5):1164-74. Rossetti S et al. Identification of gene mutations in autosomal dominant polycystic kidney disease through targeted resequencing. J Am Soc Nephrol. 2012 May;23(5):915-33. Tan YC et al. Novel method for genomic analysis of PKD1 and PKD2 mutations in autosomal dominant polycystic kidney disease. Hum Mutat. 2009 Feb;30(2):264-73. Torra R et al. Increased prevalence of polycystic kidney disease type 2 among elderly polycystic patients. Am J Kidney Dis. 2000 Oct;36(4):728-34.

HudsonAlpha Institute for Biotechnology
Classification: Pathogenic for Polycystic kidney disease 2. Last evaluated: 2015-08-07. Review status: criteria provided, single submitter. Criteria: HA_assertions_20150911. Collection method: research. Allele origin: unknown. Affected: yes. Observed: 1 variant allele. Study: CSER-HudsonAlpha.

Juno Genomics, Hangzhou Juno Genomics, Inc
Classification: Likely pathogenic for Polycystic kidney disease 2. Review status: criteria provided, single submitter. Criteria: ACMG Guidelines, 2015. Collection method: clinical testing. Allele origin: germline. Affected: yes.
Comment: Absent from controls (or at extremely low frequency if recessive) in Genome Aggregation Database.;Null variant in a gene where loss of function (LOF) is a known mechanism of disease.;The prevalence of the variant in affected individuals is significantly increased compared to the prevalence in controls.;Patient's phenotype or family history is highly specific for a disease with a single genetic etiology.

Department of Pathology and Laboratory Medicine, Sinai Health System
Classification: Pathogenic for Polycystic Kidney disease. Review status: no assertion criteria provided. Collection method: clinical testing. Allele origin: unknown. Affected: yes. Study: The Canadian Open Genetics Repository (COGR). Not counted in ClinVar's aggregate classification.
Comment: The PKD2 c.1319+1G>A variant was identified in 9 of 1178 proband chromosomes (frequency: 0.008) from individuals or families with ADPKD (Hwang 2016, Magistroni 2003, Rossetti 2012, Tan 2008, Torra 2000). The variant was also identified in dbSNP (ID: rs1131692280) with â€šÃ„ÃºPathogenic alleleâ€šÃ„Ã¹, in ClinVar (classified pathogenic by Invitae, Ambry Genetics and Hudson Alpha Institute for Biotechnology), LOVD 3.0 (2x), and the ADPKD Mutation Database (classified as definitely pathogenic). The variant was not identified in the PKD1-LOVD database. The variant was identified in 3 of 276406 chromosomes at a frequency of 0.00001 (Genome Aggregation Database Feb 27, 2017), observed in the following populations: African in 3 of 24026 chromosomes (freq: 0.0001); it was not observed in the Other, Latino, European Non-Finnish, Ashkenazi Jewish, East Asian, Finnish, and South Asian populations. The c.1319+1G>A variant is predicted to cause abnormal splicing because the nucleotide substitution occurs in the invariant region of the splice consensus sequence. In addition, 3 of 4 in silico or computational prediction software programs (SpliceSiteFinder, MaxEntScan, NNSPLICE, GeneSplicer) predict a greater than 10% difference in splicing. In summary, based on the above information this variant meets our laboratoryâ€šÃ„Ã´s criteria to be classified as pathogenic.

Literature cited by the submitters: PubMed 29790872 (cited by Victorian Clinical Genetics Services, Murdoch Childrens Research Institute); PubMed 12707387 (cited by 4 submitters); PubMed 18837007 (cited by Women's Health and Genetics/Laboratory Corporation of America, LabCorp and Genetics Department, Catlab); PubMed 11007674 (cited by 5 submitters); PubMed 10835625 (cited by Ambry Genetics); PubMed 22383692 (cited by Ambry Genetics and Labcorp Genetics (formerly Invitae), Labcorp); PubMed 16199547 (cited by Labcorp Genetics (formerly Invitae), Labcorp); PubMed 17582161 (cited by Labcorp Genetics (formerly Invitae), Labcorp); PubMed 22863349 (cited by Labcorp Genetics (formerly Invitae), Labcorp).